The following is an entry in ClinVar:

ClinVar aggregate classification (germline): Likely benign (0 of 4 stars; one submission).

Conditions:
ASXL3-related disorder. Also called: ASXL3-related condition. Identifiers: MedGen CN381524.

Submission:

PreventionGenetics, part of Exact Sciences
Classification: Likely benign for ASXL3-related condition. Last evaluated: 2019-03-04. Review status: no assertion criteria provided. Collection method: clinical testing. Allele origin: germline.
Comment: This variant is classified as likely benign based on ACMG/AMP sequence variant interpretation guidelines (Richards et al. 2015 PMID: 25741868, with internal and published modifications).

NM_030632.3(ASXL3):c.6066T>C (p.Pro2022=)

Gene: ASXL3 (ASXL transcriptional regulator 3; plus strand). Cytogenetic location: 18q12.1.
Variant type: single nucleotide variant.
Coding change: c.6066T>C on transcript NM_030632.3 (MANE Select); coding-DNA position 6066, T replaced by C.
Protein change: p.Pro2022=; no amino-acid change (proline 2022 retained).
Molecular consequence: synonymous variant.
Genome position (GRCh38, 1-based): chr18:33,745,914, T>C. VCF-style: chr18-33745914-T-C. GRCh37 (hg19) VCF-style: chr18-31325878-T-C.
Identifiers: ClinVar variation 3053547 (VCV003053547.2), dbSNP rs768431080, ClinGen allele CA503771483.
Genomic context (GRCh38, chr18:33,745,914, plus strand): 5'-GGGAGGCACTGCACACACAATGCCAAACAAAGCACTAGTACATCCGCCGCCGCCACCGCC[T>C]CCCCCTCCCCCTCCACCCTTGGCTTTGCCCCCGCCTCCCCCCCCACCACCTCCGCTACCT-3'
Protein context (NP_085135.1, residues 2012-2032): KALVHPPPPP[Pro2022=]PPPPPPLALP